The following is an entry in ClinVar:

NM_000051.4(ATM):c.3403-13dup

Gene: ATM (ATM serine/threonine kinase; plus strand). Cytogenetic location: 11q22.3.
Variant type: Duplication.
Coding change: c.3403-13dup on transcript NM_000051.4 (MANE Select); 13 bases into the intron before coding-DNA position 3403, one base duplicated (A; older notation c.3403-13dupA).
Molecular consequence: intron variant.
Genome position (GRCh38, 1-based): chr11:108,280,982, A duplicated; the last of 2 consecutive A bases (chr11:108,280,981-108,280,982); duplicating either gives the same sequence. VCF-style (leftmost placement, unchanged base first): chr11-108280980-T-TA. GRCh37 (hg19) VCF-style: chr11-108151707-T-TA.
Other names: c.3403-13dupA (NM_000051.3); c.3403-13dup (NM_001351834.2).
Identifiers: ClinVar variation 181858 (VCV000181858.43), dbSNP rs3218681, ClinGen allele CA163913.

ClinVar aggregate classification (germline): Benign/Likely benign. Review status: criteria provided, multiple submitters, no conflicts (2 of 4 stars). 20 submissions from 19 submitters: Benign (11); Likely benign (2). 7 of the submissions do not count toward it. Last evaluated 2025-07-30.

Conditions:
Breast and/or ovarian cancer. Identifiers: MedGen CN221562.
Hereditary cancer-predisposing syndrome. Also called: Tumor predisposition; Neoplastic Syndromes, Hereditary; Hereditary neoplastic syndrome; Hereditary Cancer Syndrome. Identifiers: Orphanet 140162, MedGen C0027672, MeSH D009386, MONDO:0015356.
Familial cancer of breast. Also called: BREAST CANCER, FAMILIAL; hereditary breast carcinoma; Hereditary breast cancer. Identifiers: Orphanet 227535, MedGen C0346153, MONDO:0016419, OMIM 114480. Disease mechanism: loss of function.
Ataxia-telangiectasia syndrome (AT). Also called: LOUIS-BAR SYNDROME; Ataxia-telangiectasia, complementation group D; AT, COMPLEMENTATION GROUP C; ATAXIA-TELANGIECTASIA, COMPLEMENTATION GROUP A; ATAXIA-TELANGIECTASIA, FRESNO VARIANT; Ataxia-telangiectasia. Identifiers: Orphanet 100, MedGen C0004135, MONDO:0008840, OMIM 208900.

Submissions (20):

ARUP Laboratories, Molecular Genetics and Genomics, ARUP Laboratories
Classification: Benign. Last evaluated: 2025-07-30. Review status: criteria provided, single submitter. Criteria: ARUP Molecular Germline Variant Investigation Process 2024. Collection method: clinical testing. Allele origin: germline.

Blueprint Genetics
Classification: Likely benign. Last evaluated: 2024-11-27. Review status: criteria provided, single submitter. Criteria: ACMG Guidelines, 2015. Collection method: clinical testing. Allele origin: germline.

Myriad Genetics, Inc.
Classification: Benign for Familial cancer of breast. Last evaluated: 2024-05-14. Review status: criteria provided, single submitter. Criteria: Myriad Autosomal Dominant, Autosomal Recessive and X-Linked Classification Criteria (2023). Collection method: clinical testing. Allele origin: unknown.
Comment: This variant is considered benign. This variant is intronic and is not expected to impact mRNA splicing. This variant has been observed at a population frequency that is significantly greater than expected given the associated disease prevalence and penetrance.

Unidad de Genómica Garrahan, Hospital de Pediatría Garrahan
Classification: Benign. Last evaluated: 2023-11-12. Review status: criteria provided, single submitter. Criteria: ACMG Guidelines, 2015. Collection method: clinical testing. Allele origin: germline. Affected: no. Observed: 63 variant alleles.
Comment: This variant is classified as Benign based on local population frequency. This variant was detected in 66% of patients studied by a panel of primary immunodeficiencies. Number of patients: 63. Only high quality variants are reported.

Institute for Clinical Genetics, University Hospital TU Dresden, University Hospital TU Dresden
Classification: Benign. Last evaluated: 2021-11-03. Review status: criteria provided, single submitter. Criteria: ACMG Guidelines, 2015. Collection method: clinical testing. Allele origin: germline.

Genome-Nilou Lab
Classification: Benign for Ataxia-telangiectasia syndrome. Last evaluated: 2021-07-14. Review status: criteria provided, single submitter. Criteria: ACMG Guidelines, 2015. Collection method: clinical testing. Allele origin: germline. Affected: no.

CHEO Genetics Diagnostic Laboratory, Children's Hospital of Eastern Ontario
Classification: Benign for Breast and/or ovarian cancer. Last evaluated: 2021-04-21. Review status: criteria provided, single submitter. Criteria: ACMG Guidelines, 2015. Collection method: clinical testing. Allele origin: germline.

Laboratory for Molecular Medicine, Mass General Brigham Personalized Medicine
Classification: Benign. Last evaluated: 2016-03-28. Review status: criteria provided, single submitter. Criteria: LMM Criteria. Collection method: clinical testing. Allele origin: germline.
Comment: Variant identified in a genome or exome case(s) and assessed due to predicted null impact of the variant or pathogenic assertions in the literature or databases. Disclaimer: This variant has not undergone full assessment. The following are preliminary notes: Frequency

Genetic Services Laboratory, University of Chicago
Classification: Likely benign. Last evaluated: 2015-07-29. Review status: criteria provided, single submitter. Criteria: ACMG Guidelines, 2015. Collection method: clinical testing. Allele origin: germline.

Color Diagnostics, LLC DBA Color Health
Classification: Benign for Hereditary cancer-predisposing syndrome. Last evaluated: 2015-04-26. Review status: criteria provided, single submitter. Criteria: ACMG Guidelines, 2015. Collection method: clinical testing. Allele origin: germline.

GeneDx
Classification: Benign for Neoplastic Syndromes, Hereditary. Last evaluated: 2014-01-31. Review status: criteria provided, single submitter. Criteria: GeneDx Variant Classification (06012015). Collection method: clinical testing. Allele origin: germline. Affected: yes.
Comment: The variant is found in HEREDICANCER,BR-OV-HEREDIC,COLO-HEREDIC panel(s).

Ambry Genetics
Classification: Benign for Hereditary cancer-predisposing syndrome. Last evaluated: 2012-12-18. Review status: criteria provided, single submitter. Criteria: Ambry Autosomal Dominant and X-Linked criteria (10/2015). Collection method: clinical testing. Allele origin: germline. Observed: 1 variant allele.

PreventionGenetics, part of Exact Sciences
Classification: Benign. Review status: criteria provided, single submitter. Criteria: ACMG Guidelines, 2015. Collection method: clinical testing. Allele origin: germline.

Natera, Inc.
Classification: Benign for Ataxia-telangiectasia. Last evaluated: 2020-09-16. Review status: no assertion criteria provided. Collection method: clinical testing. Allele origin: germline. Not counted in ClinVar's aggregate classification.

Clinical Genetics Laboratory, Department of Pathology, Netherlands Cancer Institute
Classification: Benign. Review status: no assertion criteria provided. Collection method: clinical testing. Allele origin: germline. Affected: yes. Study: VKGL Data-share Consensus. Not counted in ClinVar's aggregate classification.

Clinical Genetics, Academic Medical Center
Classification: Benign. Review status: no assertion criteria provided. Collection method: clinical testing. Allele origin: germline. Affected: yes. Study: VKGL Data-share Consensus. Not counted in ClinVar's aggregate classification.

Diagnostic Laboratory, Department of Genetics, University Medical Center Groningen
Classification: Benign. Review status: no assertion criteria provided. Collection method: clinical testing. Allele origin: germline. Affected: yes. Study: VKGL Data-share Consensus. Not counted in ClinVar's aggregate classification.

Genome Diagnostics Laboratory, Amsterdam University Medical Center
Classification: Benign. Review status: no assertion criteria provided. Collection method: clinical testing. Allele origin: germline. Affected: yes. Study: VKGL Data-share Consensus. Not counted in ClinVar's aggregate classification.

Genome Diagnostics Laboratory, University Medical Center Utrecht
Classification: Benign. Review status: no assertion criteria provided. Collection method: clinical testing. Allele origin: germline. Affected: yes. Study: VKGL Data-share Consensus. Not counted in ClinVar's aggregate classification.

Color Diagnostics, LLC DBA Color Health
Classification: Benign for Hereditary cancer-predisposing syndrome. Last evaluated: 2015-03-31. Review status: flagged submission. Criteria: ACMG Guidelines, 2015. Collection method: clinical testing. Allele origin: germline. Not counted in ClinVar's aggregate classification.
ClinVar note: Reason: This record appears to be redundant with a more recent record from the same submitter.
ClinVar note: Notes: SCV000682128 appears to be redundant with SCV000687474.